The following is an entry in ClinVar:

ClinVar aggregate classification (germline): Uncertain significance (1 of 4 stars; one submission).

Submission:

Labcorp Genetics (formerly Invitae), Labcorp
Classification: Uncertain significance. Last evaluated: 2022-07-19. Review status: criteria provided, single submitter. Criteria: Invitae Variant Classification Sherloc (09022015). Collection method: clinical testing. Allele origin: germline.
Comment: This variant has not been reported in the literature in individuals affected with CNNM4-related conditions. In summary, the available evidence is currently insufficient to determine the role of this variant in disease. Therefore, it has been classified as a Variant of Uncertain Significance. Algorithms developed to predict the effect of missense changes on protein structure and function are either unavailable or do not agree on the potential impact of this missense change (SIFT: "Deleterious"; PolyPhen-2: "Probably Damaging"; Align-GVGD: "Class C0"). ClinVar contains an entry for this variant (Variation ID: 942567). This variant is not present in population databases (gnomAD no frequency). This sequence change replaces alanine, which is neutral and non-polar, with aspartic acid, which is acidic and polar, at codon 208 of the CNNM4 protein (p.Ala208Asp).

NM_020184.4(CNNM4):c.623C>A (p.Ala208Asp)

Gene: CNNM4 (cyclin and CBS domain divalent metal cation transport mediator 4; plus strand). Cytogenetic location: 2q11.2.
Variant type: single nucleotide variant.
Coding change: c.623C>A on transcript NM_020184.4 (MANE Select); coding-DNA position 623, C replaced by A.
Protein change: p.Ala208Asp; replaces alanine 208 with aspartic acid.
Molecular consequence: missense variant.
Genome position (GRCh38, 1-based): chr2:96,761,622, C>A. VCF-style: chr2-96761622-C-A. GRCh37 (hg19) VCF-style: chr2-97427359-C-A.
Other names: short protein forms A208D.
Identifiers: ClinVar variation 942567 (VCV000942567.7), dbSNP rs2078764226, ClinGen allele CA347714515.